The following is an entry in ClinVar:

ClinVar aggregate classification (germline): Pathogenic (1 of 4 stars; one submission).

Conditions:
Intellectual developmental disorder, autosomal dominant 72 (MRD72). Identifiers: Orphanet 652487, MedGen C5830612, MONDO:0957397, OMIM 620439.

Submission:

Victorian Clinical Genetics Services, Murdoch Childrens Research Institute
Classification: Pathogenic for Intellectual developmental disorder, autosomal dominant 72. Last evaluated: 2025-06-12. Review status: criteria provided, single submitter. Criteria: ACMG Guidelines, 2015. Collection method: clinical testing. Allele origin: germline. Affected: yes.
Comment: This variant is classified as Pathogenic. Evidence in support of pathogenic classification: Variant is predicted to cause nonsense-mediated decay (NMD) and loss of protein (premature termination codon is located at least 54 nucleotides upstream of the final exon-exon junction); Variant is absent from gnomAD (v2, v3 and v4); Other NMD-predicted variants comparable to the one identified in this case have very strong previous evidence for pathogenicity (DECIPHER). Additional information: This variant is heterozygous; This gene is associated with autosomal dominant disease; This variant has no previous evidence of pathogenicity; No published segregation evidence has been identified for this variant; No published functional evidence has been identified for this variant; Loss of function is a known mechanism of disease in this gene and is associated with intellectual developmental disorder, autosomal dominant 72 (MIM#620439); Inheritance information for this variant is not currently available in this individual.

NM_016333.4(SRRM2):c.7246C>T (p.Gln2416Ter)

Gene: SRRM2 (serine/arginine repetitive matrix 2; plus strand). Cytogenetic location: 16p13.3.
Variant type: single nucleotide variant.
Coding change: c.7246C>T on transcript NM_016333.4 (MANE Select); coding-DNA position 7246, C replaced by T.
Protein change: p.Gln2416Ter; replaces glutamine 2416 with a stop codon.
Molecular consequence: nonsense.
Genome position (GRCh38, 1-based): chr16:2,767,774, C>T. VCF-style: chr16-2767774-C-T. GRCh37 (hg19) VCF-style: chr16-2817775-C-T.
Other names: short protein forms Q2416*.
Identifiers: ClinVar variation 4531601 (VCV004531601.1).